The following is an entry in ClinVar:

NM_000612.6(IGF2):c.328G>A (p.Val110Met)

Genes: IGF2 (insulin like growth factor 2; minus strand), INS-IGF2 (INS-IGF2 readthrough; minus strand). Cytogenetic location: 11p15.5.
Variant type: single nucleotide variant.
Coding change: c.328G>A on transcript NM_000612.6 (MANE Select); coding-DNA position 328, G replaced by A.
Protein change: p.Val110Met; replaces valine 110 with methionine.
Molecular consequence: missense variant. On other transcripts: non-coding transcript variant (1).
Genome position (GRCh38, 1-based): chr11:2,133,202, C>T on the plus strand (G>A on the coding strand, the complement: IGF2 is on the minus strand). VCF-style: chr11-2133202-C-T. GRCh37 (hg19) VCF-style: chr11-2154432-C-T.
Other names: c.328G>A, p.Val110Met (NM_001007139.6, NM_001291861.3, NM_001291862.3); c.496G>A, p.Val166Met (NM_001127598.3); short protein forms V110M, V166M.
Identifiers: ClinVar variation 4695840 (VCV004695840.1).

ClinVar aggregate classification (germline): Uncertain significance (1 of 4 stars; one submission).

Submission:

Labcorp Genetics (formerly Invitae), Labcorp
Classification: Uncertain significance. Last evaluated: 2025-03-29. Review status: criteria provided, single submitter. Criteria: Invitae Variant Classification Sherloc (09022015). Collection method: clinical testing. Allele origin: germline.
Comment: This sequence change replaces valine, which is neutral and non-polar, with methionine, which is neutral and non-polar, at codon 110 of the IGF2 protein (p.Val110Met). This variant is present in population databases (rs376878619, gnomAD 0.002%). This variant has not been reported in the literature in individuals affected with IGF2-related conditions. An algorithm developed to predict the effect of missense changes on protein structure and function (PolyPhen-2) suggests that this variant is likely to be disruptive. In summary, the available evidence is currently insufficient to determine the role of this variant in disease. Therefore, it has been classified as a Variant of Uncertain Significance.